The following is an entry in ClinVar:

ClinVar aggregate classification (germline): Uncertain significance. Review status: criteria provided, multiple submitters, no conflicts (2 of 4 stars). 2 submissions from 2 submitters: Uncertain significance (2). Last evaluated 2023-11-23.

Conditions:
RFX3-related intellectual disability.

Allele frequency attached by ClinVar (database versions not stated): TOPMed below 0.00001.
gnomAD v4.1: 2 of 1,613,832 alleles (0.00012%); highest among the groups gnomAD compares: Non-Finnish European, 0.00017%; no homozygotes.

Submissions (2):

3billion
Classification: Uncertain significance for RFX3-related intellectual disability. Last evaluated: 2023-11-23. Review status: criteria provided, single submitter. Criteria: ACMG Guidelines, 2015. Collection method: clinical testing. Allele origin: germline. Affected: yes.
Comment: The variant is not observed in the gnomAD v2.1.1 dataset. Predicted Consequence/Location: Missense variant Damaging effect on gene or gene product predicted by in silico programs is uncertain [REVEL: 0.31 (damaging >=0.6, benign <0.4), 3Cnet: 0.44 (damaging >=0.6, benign <0.15)]. Therefore, this variant is classified as VUS according to the recommendation of ACMG/AMP guideline.

GeneDx
Classification: Uncertain significance. Last evaluated: 2022-03-14. Review status: criteria provided, single submitter. Criteria: GeneDx Variant Classification Process June 2021. Collection method: clinical testing. Allele origin: germline. Affected: yes.
Comment: Not observed at significant frequency in large population cohorts (gnomAD); In silico analysis supports that this missense variant has a deleterious effect on protein structure/function; Has not been previously published as pathogenic or benign to our knowledge

NM_001282116.2(RFX3):c.1546A>G (p.Thr516Ala)

Gene: RFX3 (regulatory factor X3; minus strand). Cytogenetic location: 9p24.2.
Variant type: single nucleotide variant.
Coding change: c.1546A>G on transcript NM_001282116.2 (MANE Select); coding-DNA position 1546, A replaced by G.
Protein change: p.Thr516Ala; replaces threonine 516 with alanine.
Molecular consequence: missense variant.
Genome position (GRCh38, 1-based): chr9:3,262,994, T>C on the plus strand (A>G on the coding strand, the complement: RFX3 is on the minus strand). VCF-style: chr9-3262994-T-C. GRCh37 (hg19) VCF-style: chr9-3262994-T-C.
Other names: c.1546A>G, p.Thr516Ala (NM_001377999.1, NM_002919.4, NM_134428.3); short protein forms T516A.
Identifiers: ClinVar variation 1706285 (VCV001706285.3), dbSNP rs1563821906, ClinGen allele CA372844131.
Genomic context (GRCh38, chr9:3,262,994, plus strand): 5'-CCTGGACATTGGCAAAGTCGACACGGTTGAGGTCACTAAGCATCTGGTTGATTTGGGAAG[T>C]GTTCTGAAGCACTGCACGAGCTGCCTGGGCCAGGTGATTAAGCGACGTGTATCTTCGCAG-3'
Protein context (NP_001269045.1, residues 506-526): AQAARAVLQN[Thr516Ala]SQINQMLSDL